The following is an entry in ClinVar:

NM_025179.4(PLXNA2):c.1822G>A (p.Gly608Arg)

Gene: PLXNA2 (plexin A2; minus strand). Cytogenetic location: 1q32.2.
Variant type: single nucleotide variant.
Coding change: c.1822G>A on transcript NM_025179.4 (MANE Select); coding-DNA position 1822, G replaced by A.
Protein change: p.Gly608Arg; replaces glycine 608 with arginine.
Molecular consequence: missense variant.
Genome position (GRCh38, 1-based): chr1:208,096,793, C>T on the plus strand (G>A on the coding strand, the complement: PLXNA2 is on the minus strand). VCF-style: chr1-208096793-C-T. GRCh37 (hg19) VCF-style: chr1-208270138-C-T.
Other names: short protein forms G608R.
Identifiers: ClinVar variation 2557049 (VCV002557049.6), dbSNP rs753515319, ClinGen allele CA1373714.

ClinVar aggregate classification (germline): Uncertain significance. Review status: criteria provided, multiple submitters, no conflicts (2 of 4 stars). 3 submissions from 3 submitters: Uncertain significance (3). Last evaluated 2025-02-24.

Conditions:
PLXNA2-related disorder. Also called: PLXNA2-related condition.

Allele frequency attached by ClinVar (database versions not stated): ExAC 0.00001; gnomAD exomes 0.00002; gnomAD 0.00003.

Submissions (3):

PreventionGenetics, part of Exact Sciences
Classification: Uncertain significance for PLXNA2-related condition. Last evaluated: 2025-02-24. Review status: criteria provided, single submitter. Criteria: ACMG Guidelines, 2015. Collection method: clinical testing. Allele origin: germline.
Comment: The PLXNA2 c.1822G>A variant is predicted to result in the amino acid substitution p.Gly608Arg. To our knowledge, this variant has not been reported in the literature. This variant is reported in 0.044% of alleles in individuals of East Asian descent in gnomAD. At this time, the clinical significance of this variant is uncertain due to the absence of conclusive functional and genetic evidence.

Labcorp Genetics (formerly Invitae), Labcorp
Classification: Uncertain significance. Last evaluated: 2024-10-23. Review status: criteria provided, single submitter. Criteria: Invitae Variant Classification Sherloc (09022015). Collection method: clinical testing. Allele origin: germline.
Comment: This sequence change replaces glycine, which is neutral and non-polar, with arginine, which is basic and polar, at codon 608 of the PLXNA2 protein (p.Gly608Arg). This variant is present in population databases (rs753515319, gnomAD 0.05%). This variant has not been reported in the literature in individuals affected with PLXNA2-related conditions. ClinVar contains an entry for this variant (Variation ID: 2557049). Invitae Evidence Modeling of protein sequence and biophysical properties (such as structural, functional, and spatial information, amino acid conservation, physicochemical variation, residue mobility, and thermodynamic stability) indicates that this missense variant is not expected to disrupt PLXNA2 protein function with a negative predictive value of 80%. In summary, the available evidence is currently insufficient to determine the role of this variant in disease. Therefore, it has been classified as a Variant of Uncertain Significance.

Ambry Genetics
Classification: Uncertain significance. Last evaluated: 2023-06-06. Review status: criteria provided, single submitter. Criteria: Ambry Variant Classification Scheme 2023. Collection method: clinical testing. Allele origin: germline.